The following is an entry in ClinVar:

NM_138694.4(PKHD1):c.2721del (p.Val908fs)

Gene: PKHD1 (PKHD1 ciliary IPT domain containing fibrocystin/polyductin; minus strand). Cytogenetic location: 6p12.2.
Variant type: Deletion.
Coding change: c.2721del on transcript NM_138694.4 (MANE Select); coding-DNA position 2721, one base deleted (T; older notation c.2721delT).
Protein change: p.Val908fs; shifts the reading frame from valine 908.
Molecular consequence: frameshift variant.
Genome position (GRCh38, 1-based): chr6:52,043,725, A deleted on the plus strand (T on the coding strand, the reverse complement: PKHD1 is on the minus strand); the first of 2 consecutive A bases (chr6:52,043,725-52,043,726); deleting either gives the same sequence. VCF-style (leftmost placement, unchanged base first): chr6-52043724-CA-C. GRCh37 (hg19) VCF-style: chr6-51908522-CA-C.
Other names: c.2721del, p.Val908fs (NM_170724.3); short protein forms V908fs.
Identifiers: ClinVar variation 3236069 (VCV003236069.1), dbSNP rs2533068182, ClinGen allele CA2679083127.

ClinVar aggregate classification (germline): Pathogenic (1 of 4 stars; one submission).

Conditions:
Polycystic kidney disease 4 (PKD4). Also called: POLYCYSTIC KIDNEY DISEASE 4 WITH OR WITHOUT POLYCYSTIC LIVER DISEASE; PKD3; POLYCYSTIC KIDNEY AND HEPATIC DISEASE 1; POLYCYSTIC KIDNEY DISEASE, INFANTILE, TYPE I; Autosomal Recessive Polycystic Kidney Disease – PKHD1. Identifiers: MedGen C4540575, MONDO:0033004, OMIM 263200.

Submission:

MVZ Medizinische Genetik Mainz
Classification: Pathogenic for Polycystic kidney disease 4. Last evaluated: 2024-01-02. Review status: criteria provided, single submitter. Criteria: UK Practice Guidelines For Variant Classification V4 01 2020. Collection method: clinical testing. Allele origin: germline. Inheritance: Autosomal recessive inheritance. Affected: yes. Observed: 1 variant allele.
Comment: ACMG Criteria: PVS1, PM2_SUP, PM3_SUP, PP4 (ACMG Version 4); Compound Heterozygote